The following is an entry in ClinVar:

ClinVar aggregate classification (germline): Uncertain significance (1 of 4 stars; one submission).

Conditions:
Hereditary sensory neuropathy-deafness-dementia syndrome. Also called: Hereditary sensory neuropathy type IE; NEUROPATHY, HEREDITARY SENSORY, WITH HEARING LOSS AND DEMENTIA; Hereditary Sensory and Autonomic Neuropathy Type 1E (HSAN1E); HSN IE. Identifiers: Orphanet 456318, MedGen C3279885, MONDO:0013584, OMIM 614116.

Allele frequency attached by ClinVar (database versions not stated): gnomAD exomes below 0.00001 and 0.00001; ExAC 0.00002.

Submission:

Labcorp Genetics (formerly Invitae), Labcorp
Classification: Uncertain significance for Hereditary sensory neuropathy-deafness-dementia syndrome. Last evaluated: 2017-09-20. Review status: criteria provided, single submitter. Criteria: Invitae Variant Classification Sherloc (09022015). Collection method: clinical testing. Allele origin: germline.
Comment: This sequence change replaces arginine with cysteine at codon 106 of the DNMT1 protein (p.Arg106Cys). The arginine residue is weakly conserved and there is a large physicochemical difference between arginine and cysteine. This variant is present in population databases (rs759600542, ExAC 0.01%). This variant has not been reported in the literature in individuals with DNMT1-related disease. Algorithms developed to predict the effect of missense changes on protein structure and function output the following: SIFT: "Tolerated"; PolyPhen-2: "Benign"; Align-GVGD: "Class C0". The cysteine amino acid residue is found in multiple mammalian species, suggesting that this missense change does not adversely affect protein function. These predictions have not been confirmed by published functional studies and their clinical significance is uncertain. In summary, the available evidence is currently insufficient to determine the role of this variant in disease. Therefore, it has been classified as a Variant of Uncertain Significance.

NM_001130823.3(DNMT1):c.316C>T (p.Arg106Cys)

Gene: DNMT1 (DNA methyltransferase 1; minus strand). Cytogenetic location: 19p13.2.
Variant type: single nucleotide variant.
Coding change: c.316C>T on transcript NM_001130823.3 (MANE Select); coding-DNA position 316, C replaced by T.
Protein change: p.Arg106Cys; replaces arginine 106 with cysteine.
Molecular consequence: missense variant. On other transcripts: 5 prime UTR variant (1).
Genome position (GRCh38, 1-based): chr19:10,180,479, G>A on the plus strand (C>T on the coding strand, the complement: DNMT1 is on the minus strand). VCF-style: chr19-10180479-G-A. GRCh37 (hg19) VCF-style: chr19-10291155-G-A.
Other names: c.316C>T (LRG_362t1); c.316C>T, p.Arg106Cys (NM_001318730.2, NM_001379.4); c.-48C>T (NM_001318731.2); short protein forms R106C.
Identifiers: ClinVar variation 539605 (VCV000539605.8), dbSNP rs759600542, ClinGen allele CA9188797.